The following is an entry in ClinVar:

ClinVar aggregate classification (germline): Conflicting classifications of pathogenicity. Review status: criteria provided, conflicting classifications (1 of 4 stars). 2 submissions from 2 submitters: Likely pathogenic (1); Uncertain significance (1). Last evaluated 2024-10-03.

Submissions (2):

GeneDx
Classification: Likely pathogenic. Last evaluated: 2024-10-03. Review status: criteria provided, single submitter. Criteria: GeneDx Variant Classification Process June 2021. Collection method: clinical testing. Allele origin: germline. Affected: yes.
Comment: Not observed at significant frequency in large population cohorts (gnomAD); In silico analysis supports that this missense variant has a deleterious effect on protein structure/function; This variant is associated with the following publications: (PMID: 35982159, 36368308, 29484850, 29129319)

Blueprint Genetics
Classification: Uncertain significance. Last evaluated: 2021-03-19. Review status: criteria provided, single submitter. Criteria: ACMG Guidelines, 2015. Collection method: clinical testing. Allele origin: germline.

NM_001080517.3(SETD5):c.894A>G (p.Ile298Met)

Gene: SETD5 (SET domain containing 5; plus strand). Cytogenetic location: 3p25.3.
Variant type: single nucleotide variant.
Coding change: c.894A>G on transcript NM_001080517.3 (MANE Select); coding-DNA position 894, A replaced by G.
Protein change: p.Ile298Met; replaces isoleucine 298 with methionine.
Molecular consequence: missense variant.
Genome position (GRCh38, 1-based): chr3:9,441,676, A>G. VCF-style: chr3-9441676-A-G. GRCh37 (hg19) VCF-style: chr3-9483360-A-G.
Other names: c.600A>G, p.Ile200Met (NM_001292043.2, NM_001349451.2); short protein forms I200M, I298M.
Identifiers: ClinVar variation 3776415 (VCV003776415.2).